The following is an entry in ClinVar:

ClinVar aggregate classification (germline): Conflicting classifications of pathogenicity. Review status: criteria provided, conflicting classifications (1 of 4 stars). 3 submissions from 3 submitters: Likely pathogenic (2); Uncertain significance (1). Last evaluated 2024-12-27.

Conditions:
Hereditary leiomyomatosis and renal cell cancer. Also called: MULTIPLE CUTANEOUS AND UTERINE LEIOMYOMATA 1, WITH OR WITHOUT RENAL CELL CARCINOMA; LEIOMYOMA, MULTIPLE CUTANEOUS; Reed syndrome; Multiple cutaneous and uterine leiomyomatosis; Cutaneous leiomyomata with uterine leiomyomata; Leiomyoma, hereditary multiple, of skin. Identifiers: Orphanet 523, MedGen C1708350, MONDO:0007888, OMIM 150800, HP:0007437. Disease mechanism: loss of function.
Hereditary cancer-predisposing syndrome. Also called: Neoplastic Syndromes, Hereditary; Tumor predisposition; Hereditary Cancer Syndrome; Hereditary neoplastic syndrome. Identifiers: Orphanet 140162, MedGen C0027672, MeSH D009386, MONDO:0015356.

Submissions (3):

Women's Health and Genetics/Laboratory Corporation of America, LabCorp
Classification: Uncertain significance. Last evaluated: 2024-12-27. Review status: criteria provided, single submitter. Criteria: LabCorp Variant Classification Summary - May 2015. Collection method: clinical testing. Allele origin: germline.
Comment: Variant summary: FH c.562A>G (p.Asn188Asp) results in a conservative amino acid change located in the Class II fumarases (IPR005677) of the encoded protein sequence. Four of five in-silico tools predict a damaging effect of the variant on protein function. The variant was absent in 250648 control chromosomes. c.562A>G has been reported in the literature in individuals affected with Hereditary Leiomyomatosis And Renal Cell Cancer (McKelvey_2010). Additionally, another missense variant (Asn188Ile) was classified on the pathogenic spectrum in ClinVar. To our knowledge, no experimental evidence demonstrating an impact on protein function has been reported. The following publication have been ascertained in the context of this evaluation (PMID: 20056206).ClinVar contains an entry for this variant (Variation ID: 1748729). Based on the evidence outlined above, the variant was classified as VUS-possibly pathogenic.

Molecular Pathology, Peter Maccallum Cancer Centre
Classification: Likely pathogenic for Hereditary leiomyomatosis and renal cell cancer. Last evaluated: 2024-05-21. Review status: criteria provided, single submitter. Criteria: ACMG Guidelines, 2015. Collection method: clinical testing. Allele origin: germline. Inheritance: Autosomal dominant inheritance.

Ambry Genetics
Classification: Likely pathogenic for Hereditary cancer-predisposing syndrome. Last evaluated: 2022-02-16. Review status: criteria provided, single submitter. Criteria: Ambry Variant Classification Scheme 2023. Collection method: clinical testing. Allele origin: germline.
Comment: The p.N188D variant (also known as c.562A>G), located in coding exon 5 of the FH gene, results from an A to G substitution at nucleotide position 562. The asparagine at codon 188 is replaced by aspartic acid, an amino acid with highly similar properties. This alteration has been observed in at least one individual with a personal and/or family history that is consistent with FH-related disease (Ambry internal data; McKelvey KD et al. Fertil Steril, 2010 Apr;93:2075.e1-2). Based on internal structural analysis, N188D is deleterious. The variant is negligibly destabilizing to the local structure (Ambry internal data; Ajalla Aleixo MA et al. FEBS J, 2019 05;286:1925-1940). This amino acid position is highly conserved in available vertebrate species. In addition, this alteration is predicted to be deleterious by in silico analysis. This variant is considered to be rare based on population cohorts in the Genome Aggregation Database (gnomAD). Based on the majority of available evidence to date, this variant is likely to be pathogenic.

Literature cited by the submitters: PubMed 20056206 (cited by Women's Health and Genetics/Laboratory Corporation of America, LabCorp and Ambry Genetics); PubMed 30761759 (cited by Ambry Genetics).

NM_000143.4(FH):c.562A>G (p.Asn188Asp)

Gene: FH (fumarate hydratase; minus strand). Cytogenetic location: 1q43.
Variant type: single nucleotide variant.
Coding change: c.562A>G on transcript NM_000143.4 (MANE Select); coding-DNA position 562, A replaced by G.
Protein change: p.Asn188Asp; replaces asparagine 188 with aspartic acid.
Molecular consequence: missense variant.
Genome position (GRCh38, 1-based): chr1:241,508,779, T>C on the plus strand (A>G on the coding strand, the complement: FH is on the minus strand). VCF-style: chr1-241508779-T-C. GRCh37 (hg19) VCF-style: chr1-241672079-T-C.
Other names: short protein forms N188D.
Identifiers: ClinVar variation 1748729 (VCV001748729.4), dbSNP rs2527327584, ClinGen allele CA345439500.